The following is an entry in ClinVar:

NM_015047.3(EMC1):c.1787C>T (p.Ser596Leu)

Genes: EMC1 (ER membrane protein complex subunit 1; minus strand), EMC1-AS1 (EMC1 antisense RNA 1; plus strand). Cytogenetic location: 1p36.13.
Variant type: single nucleotide variant.
Coding change: c.1787C>T on transcript NM_015047.3 (MANE Select); coding-DNA position 1787, C replaced by T.
Protein change: p.Ser596Leu; replaces serine 596 with leucine.
Molecular consequence: missense variant.
Genome position (GRCh38, 1-based): chr1:19,231,418, G>A on the plus strand (C>T on the coding strand, the complement: EMC1 is on the minus strand). VCF-style: chr1-19231418-G-A. GRCh37 (hg19) VCF-style: chr1-19557912-G-A.
Other names: c.1784C>T, p.Ser595Leu (NM_001271427.2, NM_001271428.2); c.1721C>T, p.Ser574Leu (NM_001271429.2); c.1796C>T, p.Ser599Leu (NM_001375820.1); c.1793C>T, p.Ser598Leu (NM_001375821.1); short protein forms S598L, S599L, S574L, S595L, S596L.
Identifiers: ClinVar variation 710872 (VCV000710872.17), dbSNP rs140940082, ClinGen allele CA652491.

ClinVar aggregate classification (germline): Benign/Likely benign. Review status: criteria provided, multiple submitters, no conflicts (2 of 4 stars). 4 submissions from 4 submitters: Benign (2); Likely benign (2). Last evaluated 2026-09-01.

Conditions:
Retinal dystrophy. Also called: Inherited retinal dystrophy. Identifiers: Orphanet 71862, MedGen C0854723, MeSH D058499, MONDO:0019118, HP:0000556.

Allele frequency attached by ClinVar (database versions not stated): gnomAD exomes 0.00037 and 0.00095; ExAC 0.00118; gnomAD 0.00382 and 0.00416; ESP Exome Variant Server 0.00384; 1000 Genomes Project 0.00419; 1000 Genomes Project 30x 0.00422; TOPMed 0.00470.
gnomAD v4.1: 1,146 of 1,611,634 alleles (0.071%); highest among the groups gnomAD compares: African/African-American, 1.3%; 5 homozygotes.

Submissions (4):

CeGaT Center for Human Genetics Tuebingen
Classification: Likely benign. Last evaluated: 2026-09-01. Review status: criteria provided, single submitter. Criteria: CeGaT Center For Human Genetics Tuebingen Variant Classification Criteria Version 2. Collection method: clinical testing. Allele origin: germline. Affected: yes. Observed: 2 variant alleles.
Comment: EMC1: BP4, BS1

Labcorp Genetics (formerly Invitae), Labcorp
Classification: Benign. Last evaluated: 2026-02-03. Review status: criteria provided, single submitter. Criteria: Invitae Variant Classification Sherloc (09022015). Collection method: clinical testing. Allele origin: germline.

Blueprint Genetics
Classification: Likely benign. Last evaluated: 2024-09-09. Review status: criteria provided, single submitter. Criteria: ACMG Guidelines, 2015. Collection method: clinical testing. Allele origin: germline.

Dept Of Ophthalmology, Nagoya University
Classification: Benign for Retinal dystrophy. Last evaluated: 2023-10-01. Review status: criteria provided, single submitter. Criteria: Submitter's publication. Collection method: research. Allele origin: germline. Affected: yes.